The following is an entry in ClinVar:

NM_004304.5(ALK):c.2577G>A (p.Glu859=)

Gene: ALK (ALK receptor tyrosine kinase; minus strand). Cytogenetic location: 2p23.2.
Variant type: single nucleotide variant.
Coding change: c.2577G>A on transcript NM_004304.5 (MANE Select); coding-DNA position 2577, G replaced by A.
Protein change: p.Glu859=; no amino-acid change (glutamic acid 859 retained).
Molecular consequence: synonymous variant.
Genome position (GRCh38, 1-based): chr2:29,232,359, C>T on the plus strand (G>A on the coding strand, the complement: ALK is on the minus strand). VCF-style: chr2-29232359-C-T. GRCh37 (hg19) VCF-style: chr2-29455225-C-T.
Identifiers: ClinVar variation 696321 (VCV000696321.21), dbSNP rs61754865, ClinGen allele CA1594259.

ClinVar aggregate classification (germline): Likely benign. Review status: criteria provided, multiple submitters, no conflicts (2 of 4 stars). 3 submissions from 3 submitters: Likely benign (3). Last evaluated 2025-11-11.

Conditions:
Neuroblastoma, susceptibility to, 3. Also called: ALK-Related Neuroblastic Tumor Susceptibility. Identifiers: Orphanet 635, MedGen C2751681, MONDO:0013083, OMIM 613014.
Hereditary cancer-predisposing syndrome. Also called: Neoplastic Syndromes, Hereditary; Tumor predisposition; Hereditary neoplastic syndrome; Hereditary Cancer Syndrome. Identifiers: Orphanet 140162, MedGen C0027672, MeSH D009386, MONDO:0015356.

Allele frequency attached by ClinVar (database versions not stated): 1000 Genomes Project 30x 0.00016.
gnomAD v4.1: 21 of 1,614,268 alleles (0.0013%); highest among the groups gnomAD compares: South Asian, 0.0033%; no homozygotes.

Submissions (3):

Labcorp Genetics (formerly Invitae), Labcorp
Classification: Likely benign for Neuroblastoma, susceptibility to, 3. Last evaluated: 2025-11-11. Review status: criteria provided, single submitter. Criteria: Invitae Variant Classification Sherloc (09022015). Collection method: clinical testing. Allele origin: germline.

CeGaT Center for Human Genetics Tuebingen
Classification: Likely benign. Last evaluated: 2025-07-01. Review status: criteria provided, single submitter. Criteria: CeGaT Center For Human Genetics Tuebingen Variant Classification Criteria Version 2. Collection method: clinical testing. Allele origin: germline. Affected: yes. Observed: 1 variant allele.
Comment: ALK: BP4, BP7

Ambry Genetics
Classification: Likely benign for Hereditary cancer-predisposing syndrome. Last evaluated: 2022-03-30. Review status: criteria provided, single submitter. Criteria: Ambry Variant Classification Scheme 2023. Collection method: clinical testing. Allele origin: germline.